The following is an entry in ClinVar:

NM_018557.3(LRP1B):c.4742G>A (p.Arg1581His)

Gene: LRP1B (LDL receptor related protein 1B; minus strand). Cytogenetic location: 2q22.1.
Variant type: single nucleotide variant.
Coding change: c.4742G>A on transcript NM_018557.3 (MANE Select); coding-DNA position 4742, G replaced by A.
Protein change: p.Arg1581His; replaces arginine 1581 with histidine.
Molecular consequence: missense variant.
Genome position (GRCh38, 1-based): chr2:140,850,299, C>T on the plus strand (G>A on the coding strand, the complement: LRP1B is on the minus strand). VCF-style: chr2-140850299-C-T. GRCh37 (hg19) VCF-style: chr2-141607868-C-T.
Other names: short protein forms R1581H.
Identifiers: ClinVar variation 3034562 (VCV003034562.2), dbSNP rs148341635, ClinGen allele CA1895093.

ClinVar aggregate classification (germline): Likely benign (0 of 4 stars; one submission).

Conditions:
LRP1B-related disorder. Also called: LRP1B-related condition.

Allele frequency attached by ClinVar (database versions not stated): gnomAD exomes 0.00011; ExAC 0.00030; ESP Exome Variant Server 0.00062; gnomAD 0.00081; TOPMed 0.00095; 1000 Genomes Project 30x 0.00172; 1000 Genomes Project 0.00220.
gnomAD v4.1: 302 of 1,604,874 alleles (0.019%); highest among the groups gnomAD compares: African/African-American, 0.31%; 3 homozygotes.

Submission:

PreventionGenetics, part of Exact Sciences
Classification: Likely benign for LRP1B-related condition. Last evaluated: 2023-07-16. Review status: no assertion criteria provided. Collection method: clinical testing. Allele origin: germline.
Comment: This variant is classified as likely benign based on ACMG/AMP sequence variant interpretation guidelines (Richards et al. 2015 PMID: 25741868, with internal and published modifications).